The following is an entry in ClinVar:

NM_020975.6(RET):c.333C>G (p.Val111=)

Gene: RET (ret proto-oncogene; plus strand). Cytogenetic location: 10q11.21.
Variant type: single nucleotide variant.
Coding change: c.333C>G on transcript NM_020975.6 (MANE Select); coding-DNA position 333, C replaced by G.
Protein change: p.Val111=; no amino-acid change (valine 111 retained).
Molecular consequence: synonymous variant. On other transcripts: intron variant (4).
Genome position (GRCh38, 1-based): chr10:43,100,718, C>G. VCF-style: chr10-43100718-C-G. GRCh37 (hg19) VCF-style: chr10-43596166-C-G.
Other names: c.333C>G, p.Val111= (NM_000323.2, NM_001406743.1, NM_001406744.1 and 34 more transcripts); c.74-8313C>G (NM_001406784.1); c.74-11381C>G (NM_001406794.1, NM_001406792.1, NM_001406793.1).
Identifiers: ClinVar variation 703888 (VCV000703888.19), dbSNP rs772779267, ClinGen allele CA043149.
Genomic context (GRCh38, chr10:43,100,718, plus strand): 5'-CACCGGCCTCCTCTACCTTAACCGGAGCCTGGACCATAGCTCCTGGGAGAAGCTCAGTGT[C>G]CGCAGTAAGGGAGCCGCCCCAACACCCACCCCGTGCCCCACCCCACCCCTTCCTCAAGCC-3'
Protein context (NP_066124.1, residues 101-121): LDHSSWEKLS[Val111=]RNRGFPLLTV

ClinVar aggregate classification (germline): Likely benign. Review status: criteria provided, multiple submitters, no conflicts (2 of 4 stars). 5 submissions from 5 submitters: Likely benign (5). Last evaluated 2025-10-26.

Conditions:
Hereditary cancer-predisposing syndrome. Also called: Neoplastic Syndromes, Hereditary; Hereditary neoplastic syndrome; Hereditary Cancer Syndrome; Tumor predisposition. Identifiers: Orphanet 140162, MedGen C0027672, MeSH D009386, MONDO:0015356.
Multiple endocrine neoplasia, type 2 (MEN2). Identifiers: Orphanet 653, MedGen C4048306, MONDO:0019003. Disease mechanism: gain of function.

Allele frequency attached by ClinVar (database versions not stated): gnomAD 0.00001; gnomAD exomes 0.00001 and 0.00004; TOPMed 0.00001; ExAC 0.00003; 1000 Genomes Project 30x 0.00016.
gnomAD v4.1: 60 of 1,597,698 alleles (0.0038%); highest among the groups gnomAD compares: Non-Finnish European, 0.0049%; no homozygotes.

Submissions (5):

Labcorp Genetics (formerly Invitae), Labcorp
Classification: Likely benign for Multiple endocrine neoplasia, type 2. Last evaluated: 2025-10-26. Review status: criteria provided, single submitter. Criteria: Invitae Variant Classification Sherloc (09022015). Collection method: clinical testing. Allele origin: germline.

Blueprint Genetics
Classification: Likely benign. Last evaluated: 2024-02-15. Review status: criteria provided, single submitter. Criteria: ACMG Guidelines, 2015. Collection method: clinical testing. Allele origin: germline.

All of Us Research Program, National Institutes of Health
Classification: Likely benign for Multiple endocrine neoplasia, type 2. Last evaluated: 2024-01-08. Review status: criteria provided, single submitter. Criteria: ACMG Guidelines, 2015. Collection method: clinical testing. Allele origin: germline. Inheritance: Autosomal dominant inheritance. Observed: 2 variant alleles, 2 heterozygotes.
Comment: This study involves interpretation of variants in research participants for the purpose of population health screening. Participant phenotype was not available at the time of variant classification. Additional details can be found in publication PMID: 35346344, PMCID: PMC8962531

Color Diagnostics, LLC DBA Color Health
Classification: Likely benign for Multiple endocrine neoplasia, type 2. Last evaluated: 2023-06-14. Review status: criteria provided, single submitter. Criteria: ACMG Guidelines, 2015. Collection method: clinical testing. Allele origin: germline.

Ambry Genetics
Classification: Likely benign for Hereditary cancer-predisposing syndrome. Last evaluated: 2017-01-13. Review status: criteria provided, single submitter. Criteria: Ambry Variant Classification Scheme 2023. Collection method: clinical testing. Allele origin: germline.